The following is an entry in ClinVar:

NM_148897.3(SDR9C7):c.415G>C (p.Glu139Gln)

Gene: SDR9C7 (short chain dehydrogenase/reductase family 9C member 7; minus strand). Cytogenetic location: 12q13.3.
Variant type: single nucleotide variant.
Coding change: c.415G>C on transcript NM_148897.3 (MANE Select); coding-DNA position 415, G replaced by C.
Protein change: p.Glu139Gln; replaces glutamic acid 139 with glutamine.
Molecular consequence: missense variant.
Genome position (GRCh38, 1-based): chr12:56,930,371, C>G on the plus strand (G>C on the coding strand, the complement: SDR9C7 is on the minus strand). VCF-style: chr12-56930371-C-G. GRCh37 (hg19) VCF-style: chr12-57324155-C-G.
Other names: short protein forms E139Q.
Identifiers: ClinVar variation 3731190 (VCV003731190.2).

ClinVar aggregate classification (germline): Uncertain significance. Review status: criteria provided, multiple submitters, no conflicts (2 of 4 stars). 2 submissions from 2 submitters: Uncertain significance (2). Last evaluated 2025-10-07.

gnomAD v4.1: 6 of 1,614,188 alleles (0.00037%); highest among the groups gnomAD compares: Admixed American, 0.01%; no homozygotes.

Submissions (2):

Labcorp Genetics (formerly Invitae), Labcorp
Classification: Uncertain significance. Last evaluated: 2025-10-07. Review status: criteria provided, single submitter. Criteria: Invitae Variant Classification Sherloc (09022015). Collection method: clinical testing. Allele origin: germline.
Comment: This sequence change replaces glutamic acid, which is acidic and polar, with glutamine, which is neutral and polar, at codon 139 of the SDR9C7 protein (p.Glu139Gln). This variant is present in population databases (rs142269600, gnomAD 0.003%). This missense change has been observed in individual(s) with ichthyosis (internal data). ClinVar contains an entry for this variant (Variation ID: 3731190). Invitae Evidence Modeling of protein sequence and biophysical properties (such as structural, functional, and spatial information, amino acid conservation, physicochemical variation, residue mobility, and thermodynamic stability) indicates that this missense variant is not expected to disrupt SDR9C7 protein function with a negative predictive value of 80%. In summary, the available evidence is currently insufficient to determine the role of this variant in disease. Therefore, it has been classified as a Variant of Uncertain Significance.

GeneDx
Classification: Uncertain significance. Last evaluated: 2024-08-13. Review status: criteria provided, single submitter. Criteria: GeneDx Variant Classification Process June 2021. Collection method: clinical testing. Allele origin: germline. Affected: yes.
Comment: In silico analysis indicates that this missense variant does not alter protein structure/function; Has not been previously published as pathogenic or benign to our knowledge